The following is an entry in ClinVar:

NM_001036.6(RYR3):c.6398_6419dup (p.Ala2141fs)

Gene: RYR3 (ryanodine receptor 3; plus strand). Cytogenetic location: 15q14.
Variant type: Duplication.
Coding change: c.6398_6419dup on transcript NM_001036.6 (MANE Select); coding-DNA positions 6398 to 6419, 22 bases duplicated (GATCCACCCCGCTGGATGTGGC).
Protein change: p.Ala2141fs; shifts the reading frame from alanine 2141.
Molecular consequence: frameshift variant.
Genome position (GRCh38, 1-based): chr15:33,700,995-33,701,016, GATCCACCCCGCTGGATGTGGC duplicated. VCF-style (leftmost placement, unchanged base first): chr15-33700994-G-GGATCCACCCCGCTGGATGTGGC. GRCh37 (hg19) VCF-style: chr15-33993195-G-GGATCCACCCCGCTGGATGTGGC.
Other names: c.6398_6419dup, p.Ala2141fs (NM_001243996.4); short protein forms A2141fs.
Identifiers: ClinVar variation 950140 (VCV000950140.7), dbSNP rs2066262816, ClinGen allele CA1139663807.
Genomic context (GRCh38, chr15:33,700,994, plus strand): 5'-CTTCCTCTGTCCTTTTCTTGCTAATTCTCCCCTCCTCCCTCAGCCTCCCCGTCGATGAGG[G>GGATCCACCCCGCTGGATGTGGC]GATCCACCCCGCTGGATGTGGCAGCTTCCTCTGTGATGGACAACAATGAGTTAGCGCTGA-3'

ClinVar aggregate classification (germline): Uncertain significance (1 of 4 stars; one submission).

Conditions:
Epileptic encephalopathy. Identifiers: MedGen C0543888, HP:0200134.

Submission:

Labcorp Genetics (formerly Invitae), Labcorp
Classification: Uncertain significance for Epileptic encephalopathy. Last evaluated: 2019-06-17. Review status: criteria provided, single submitter. Criteria: Invitae Variant Classification Sherloc (09022015). Collection method: clinical testing. Allele origin: germline.
Comment: This variant has not been reported in the literature in individuals with RYR3-related conditions. In summary, the available evidence is currently insufficient to determine the role of this variant in disease. Therefore, it has been classified as a Variant of Uncertain Significance. The current clinical and genetic evidence is not sufficient to establish whether loss-of-function variants in RYR3 cause disease. This variant is not present in population databases (ExAC no frequency). This sequence change creates a premature translational stop signal (p.Ala2141Ilefs*16) in the RYR3 gene. It is expected to result in an absent or disrupted protein product.